The following is an entry in ClinVar:

ClinVar aggregate classification (germline): Uncertain significance (1 of 4 stars; one submission).

Allele frequency attached by ClinVar (database versions not stated): ExAC 0.00001; gnomAD 0.00003; TOPMed 0.00005; gnomAD exomes 0.00006.
gnomAD v4.1: 96 of 1,613,524 alleles (0.0059%); highest among the groups gnomAD compares: Non-Finnish European, 0.0075%; no homozygotes.

Submission:

CeGaT Center for Human Genetics Tuebingen
Classification: Uncertain significance. Last evaluated: 2023-08-01. Review status: criteria provided, single submitter. Criteria: CeGaT Center For Human Genetics Tuebingen Variant Classification Criteria Version 2. Collection method: clinical testing. Allele origin: germline. Affected: yes. Observed: 1 variant allele.
Comment: HIBADH: PM2

NM_152740.4(HIBADH):c.571T>C (p.Cys191Arg)

Gene: HIBADH (3-hydroxyisobutyrate dehydrogenase; minus strand). Cytogenetic location: 7p15.2.
Variant type: single nucleotide variant.
Coding change: c.571T>C on transcript NM_152740.4 (MANE Select); coding-DNA position 571, T replaced by C.
Protein change: p.Cys191Arg; replaces cysteine 191 with arginine.
Molecular consequence: missense variant.
Genome position (GRCh38, 1-based): chr7:27,543,014, A>G on the plus strand (T>C on the coding strand, the complement: HIBADH is on the minus strand). VCF-style: chr7-27543014-A-G. GRCh37 (hg19) VCF-style: chr7-27582633-A-G.
Other names: short protein forms C191R.
Identifiers: ClinVar variation 2657365 (VCV002657365.24), dbSNP rs200702367, ClinGen allele CA4199246.
Genomic context (GRCh38, chr7:27,543,014, plus strand): 5'-GTAAAAATCTTACCTGCCCAGTCCCAACAGCTCCACAGTACACCACGTTGGAGCCCATGC[A>G]CCCCAGCAACTCTTGGGCAGCAGCAAATTCATCTTCAACTCCTCCCACCATAAACGTGAG-3'
Protein context (NP_689953.1, residues 181-201): EFAAAQELLG[Cys191Arg]MGSNVVYCGA